The following is an entry in ClinVar:

NM_006017.3(PROM1):c.103G>C (p.Glu35Gln)

Gene: PROM1 (prominin 1; minus strand). Cytogenetic location: 4p15.32.
Variant type: single nucleotide variant.
Coding change: c.103G>C on transcript NM_006017.3 (MANE Select); coding-DNA position 103, G replaced by C.
Protein change: p.Glu35Gln; replaces glutamic acid 35 with glutamine.
Molecular consequence: missense variant.
Genome position (GRCh38, 1-based): chr4:16,075,804, C>G on the plus strand (G>C on the coding strand, the complement: PROM1 is on the minus strand). VCF-style: chr4-16075804-C-G. GRCh37 (hg19) VCF-style: chr4-16077427-C-G.
Other names: c.103G>C, p.Glu35Gln (NM_001145847.2, NM_001145848.2, NM_001145849.2 and 6 more transcripts); c.103G>C (NM_006017.2); short protein forms E35Q.
Identifiers: ClinVar variation 193329 (VCV000193329.18), dbSNP rs200290535, ClinGen allele CA238845.
Genomic context (GRCh38, chr4:16,075,804, plus strand): 5'-GAATGCCAATGGGTCCAGCTTTATGGGAGTCTTGGGTCTCATAATTTGTTGCAGGCAATT[C>G]ATAATTCCAAGCCTTAGGAGCATCTGTGGATGAAGGCTGCCCTCCTGAAAAGGAGTTCCC-3'
Protein context (NP_006008.1, residues 25-45): STDAPKAWNY[Glu35Gln]LPATNYETQD

ClinVar aggregate classification (germline): Conflicting classifications of pathogenicity. Review status: criteria provided, conflicting classifications (1 of 4 stars). 5 submissions from 5 submitters: Uncertain significance (2); Benign (1); Likely benign (2). Last evaluated 2026-01-28.

Conditions:
PROM1-related disorder. Also called: PROM1-related condition; PROM1-related disorders.
Inborn genetic diseases. Identifiers: MedGen C0950123, MeSH D030342.

Allele frequency attached by ClinVar (database versions not stated): gnomAD exomes 0.00006 and 0.00015; ExAC 0.00027; 1000 Genomes Project 30x 0.00031; 1000 Genomes Project 0.00040; gnomAD 0.00084 and 0.00095; ESP Exome Variant Server 0.00098; TOPMed 0.00099.

Submissions (5):

Labcorp Genetics (formerly Invitae), Labcorp
Classification: Benign. Last evaluated: 2026-01-28. Review status: criteria provided, single submitter. Criteria: Invitae Variant Classification Sherloc (09022015). Collection method: clinical testing. Allele origin: germline.

Ambry Genetics
Classification: Uncertain significance for Inborn genetic diseases. Last evaluated: 2025-07-15. Review status: criteria provided, single submitter. Criteria: Ambry Variant Classification Scheme 2023. Collection method: clinical testing. Allele origin: germline.

PreventionGenetics, part of Exact Sciences
Classification: Likely benign for PROM1-related condition. Last evaluated: 2025-02-26. Review status: criteria provided, single submitter. Criteria: ACMG Guidelines, 2015. Collection method: clinical testing. Allele origin: germline.
Comment: This variant is classified as likely benign based on ACMG/AMP sequence variant interpretation guidelines (Richards et al. 2015 PMID: 25741868, with internal and published modifications).

Blueprint Genetics
Classification: Likely benign. Last evaluated: 2024-02-09. Review status: criteria provided, single submitter. Criteria: ACMG Guidelines, 2015. Collection method: clinical testing. Allele origin: germline.

Eurofins Ntd Llc (ga)
Classification: Uncertain significance. Last evaluated: 2015-02-24. Review status: criteria provided, single submitter. Criteria: EGL Classification Definitions 2015. Collection method: clinical testing. Allele origin: germline. Observed: 1 variant allele, 1 heterozygote.